The following is an entry in ClinVar:

NM_015057.5(MYCBP2):c.12171+6dup

Gene: MYCBP2 (MYC binding protein 2; minus strand). Cytogenetic location: 13q22.3.
Variant type: Duplication.
Coding change: c.12171+6dup on transcript NM_015057.5 (MANE Select); 6 bases into the intron after coding-DNA position 12171, one base duplicated (T; older notation c.12171+6dupT).
Molecular consequence: intron variant.
Genome position (GRCh38, 1-based): chr13:77,068,559, A duplicated on the plus strand (T on the coding strand, the reverse complement: MYCBP2 is on the minus strand). VCF-style (leftmost placement, unchanged base first): chr13-77068558-C-CA. GRCh37 (hg19) VCF-style: chr13-77642693-C-CA.
Identifiers: ClinVar variation 4979606 (VCV004979606.1).
Genomic context (GRCh38, chr13:77,068,558, plus strand): 5'-GCATTGCAACTTTTAACAATGTTTCAAGTAACAAAAGCAATGGAAAGGCTGTAGTGTGAT[C>CA]AGTCACCTGTCTCTGGACTCTAGGAGAGGCTGTGTGAAGCAGCGAGAAGAGATCCTGAAG-3'

ClinVar aggregate classification (germline): Likely benign (1 of 4 stars; one submission).

Conditions:
MYCBP2-related disorder. Also called: MYCBP2-related condition.

Submission:

PreventionGenetics, part of Exact Sciences
Classification: Likely benign for MYCBP2-related condition. Last evaluated: 2026-07-22. Review status: criteria provided, single submitter. Criteria: ACMG Guidelines, 2015. Collection method: clinical testing. Allele origin: germline.
Comment: This variant is classified as likely benign based on ACMG/AMP sequence variant interpretation guidelines (Richards et al. 2015 PMID: 25741868, with internal and published modifications).